The following is an entry in ClinVar:

ClinVar aggregate classification (germline): Benign/Likely benign. Review status: criteria provided, multiple submitters, no conflicts (2 of 4 stars). 3 submissions from 3 submitters: Benign (1); Likely benign (2). Last evaluated 2026-01-19.

Conditions:
Thrombocytopenia 1. Also called: X-Linked Thrombocytopenia (XLT); X-linked thrombocytopenia with normal platelets; THROMBOCYTOPENIA, X-LINKED, 1. Identifiers: Orphanet 268322, Orphanet 852, MedGen C1839163, MONDO:0010743, OMIM 313900.
Wiskott-Aldrich syndrome (WAS). Also called: WISKOTT-ALDRICH SYNDROME 1; ALDRICH SYNDROME; IMMUNODEFICIENCY 2; Wiskott-aldrich syndrome, somatic. Identifiers: Orphanet 906, MedGen C0043194, MONDO:0010518, OMIM 301000.
X-linked severe congenital neutropenia (SCNX). Identifiers: Orphanet 86788, MedGen C1845987, MONDO:0010294, OMIM 300299.

Submissions (3):

Labcorp Genetics (formerly Invitae), Labcorp
Classification: Benign for Wiskott-Aldrich syndrome; X-linked severe congenital neutropenia; Thrombocytopenia 1. Last evaluated: 2026-01-19. Review status: criteria provided, single submitter. Criteria: Invitae Variant Classification Sherloc (09022015). Collection method: clinical testing. Allele origin: germline.

Mayo Clinic Laboratories, Mayo Clinic
Classification: Likely benign. Last evaluated: 2025-01-07. Review status: criteria provided, single submitter. Criteria: ACMG Guidelines, 2015. Collection method: clinical testing. Allele origin: germline. Observed: 1 variant allele.
Comment: BP4, BP7

Fulgent Genetics
Classification: Likely benign for X-linked severe congenital neutropenia; Wiskott-Aldrich syndrome; Thrombocytopenia 1. Last evaluated: 2022-05-10. Review status: criteria provided, single submitter. Criteria: ACMG Guidelines, 2015. Collection method: clinical testing. Allele origin: unknown.

NM_000377.3(WAS):c.560-5dup

Gene: WAS (WASP actin nucleation promoting factor; plus strand). Cytogenetic location: Xp11.23.
Variant type: Duplication.
Coding change: c.560-5dup on transcript NM_000377.3 (MANE Select); 5 bases into the intron before coding-DNA position 560, one base duplicated (C; older notation c.560-5dupC).
Molecular consequence: intron variant.
Genome position (GRCh38, 1-based): chrX:48,686,776, C duplicated; the last of 4 consecutive C bases (chrX:48,686,773-48,686,776); duplicating any one gives the same sequence. VCF-style (leftmost placement, unchanged base first): chrX-48686772-T-TC. GRCh37 (hg19) VCF-style: chrX-48545161-T-TC.
Other names: p.?.
Identifiers: ClinVar variation 1602334 (VCV001602334.10), dbSNP rs782563873, ClinGen allele CA10403953.
Genomic context (GRCh38, chrX:48,686,772, plus strand): 5'-TTTCTTGCCCCTGTGCTTTGGTTGGTTGGTAAGTGGGTCAATGAGCCAACCACCCTATTT[T>TC]CCCCACAGGCCCTCCAGTGGGTCCGCTCTCCCTGGGGCTGGCGACAGTGGACATCCAGAA-3'